The following is an entry in ClinVar:

NM_000090.4(COL3A1):c.1736G>T (p.Gly579Val)

Gene: COL3A1 (collagen type III alpha 1 chain; plus strand). Cytogenetic location: 2q32.2.
Variant type: single nucleotide variant.
Coding change: c.1736G>T on transcript NM_000090.4 (MANE Select); coding-DNA position 1736, G replaced by T.
Protein change: p.Gly579Val; replaces glycine 579 with valine.
Molecular consequence: missense variant.
Genome position (GRCh38, 1-based): chr2:188,996,471, G>T. VCF-style: chr2-188996471-G-T. GRCh37 (hg19) VCF-style: chr2-189861197-G-T.
Other names: short protein forms G579V.
Identifiers: ClinVar variation 3345665 (VCV003345665.1).

ClinVar aggregate classification (germline): Likely pathogenic (0 of 4 stars; one submission).

Conditions:
COL3A1-related disorder. Also called: COL3A1-related condition.

Submission:

PreventionGenetics, part of Exact Sciences
Classification: Likely pathogenic for COL3A1-related condition. Last evaluated: 2024-03-27. Review status: no assertion criteria provided. Collection method: clinical testing. Allele origin: germline.
Comment: The COL3A1 c.1736G>T variant is predicted to result in the amino acid substitution p.Gly579Val. To our knowledge, this variant has not been reported in the literature or in a large population database, indicating this variant is rare. However, this variant impacts a glycine residue of the highly conserved collagen triple helical domain (Gly-X-Y) where Gly substitutions are expected to be pathogenic (Table S1, Pepin et al. 2014. PubMed ID: 24922459). Other glycine substitutions at neighboring amino acid positions have been documented in individuals with vascular type Ehlers-Danlos syndrome (p.Gly573Asp, p.Gly582Ser, p.Gly582Arg, see Human Gene Mutation Database). Taken together, the c.1736G>T (p.Gly579Val) variant is interpreted as likely pathogenic.